The following is an entry in ClinVar:

ClinVar aggregate classification (germline): Uncertain significance (1 of 4 stars; one submission).

Allele frequency attached by ClinVar (database versions not stated): gnomAD 0.00002; TOPMed 0.00003; gnomAD exomes 0.00004; ExAC 0.00005.
gnomAD v4.1: 66 of 1,614,076 alleles (0.0041%); highest among the groups gnomAD compares: Admixed American, 0.018%; no homozygotes.

Submission:

Labcorp Genetics (formerly Invitae), Labcorp
Classification: Uncertain significance. Last evaluated: 2022-05-03. Review status: criteria provided, single submitter. Criteria: Invitae Variant Classification Sherloc (09022015). Collection method: clinical testing. Allele origin: germline.
Comment: This sequence change replaces arginine, which is basic and polar, with glutamine, which is neutral and polar, at codon 304 of the ACAD9 protein (p.Arg304Gln). This variant is present in population databases (rs768916389, gnomAD 0.03%). This variant has not been reported in the literature in individuals affected with ACAD9-related conditions. Advanced modeling of protein sequence and biophysical properties (such as structural, functional, and spatial information, amino acid conservation, physicochemical variation, residue mobility, and thermodynamic stability) performed at Invitae indicates that this missense variant is expected to disrupt ACAD9 protein function. In summary, the available evidence is currently insufficient to determine the role of this variant in disease. Therefore, it has been classified as a Variant of Uncertain Significance.

NM_014049.5(ACAD9):c.911G>A (p.Arg304Gln)

Genes: ACAD9 (acyl-CoA dehydrogenase family member 9; plus strand), LOC126806807 (BRD4-independent group 4 enhancer GRCh37_chr3:128620937-128622136; plus strand). Cytogenetic location: 3q21.3.
Variant type: single nucleotide variant.
Coding change: c.911G>A on transcript NM_014049.5 (MANE Select); coding-DNA position 911, G replaced by A.
Protein change: p.Arg304Gln; replaces arginine 304 with glutamine.
Molecular consequence: missense variant. On other transcripts: non-coding transcript variant (1).
Genome position (GRCh38, 1-based): chr3:128,902,581, G>A. VCF-style: chr3-128902581-G-A. GRCh37 (hg19) VCF-style: chr3-128621424-G-A.
Other names: c.542G>A, p.Arg181Gln (NM_001410805.1); short protein forms R181Q, R304Q.
Identifiers: ClinVar variation 2049334 (VCV002049334.1), dbSNP rs768916389, ClinGen allele CA2601345.
Genomic context (GRCh38, chr3:128,902,581, plus strand): 5'-GGGCCCCTGGGCTCTCCCTGTTCTCCCTGCAGGTGGCCATGAACATCCTCAACAGCGGCC[G>A]GTTCAGCATGGGCAGCGTCGTGGCTGGGCTGCTCAAGAGATTGATTGGTAGGTAAGTTAG-3'
Protein context (NP_054768.2, residues 294-314): KVAMNILNSG[Arg304Gln]FSMGSVVAGL